The following is an entry in ClinVar:

ClinVar aggregate classification (germline): Benign/Likely benign. Review status: criteria provided, multiple submitters, no conflicts (2 of 4 stars). 9 submissions from 6 submitters: Benign (5); Likely benign (4). Last evaluated 2025-12-21.

Conditions:
Familial hemiplegic migraine. Identifiers: MedGen C0338484, MONDO:0000700.
Alternating hemiplegia of childhood 1 (AHC1). Identifiers: Orphanet 2131, MedGen C3549447, MONDO:0007087, OMIM 104290.
Fetal akinesia, respiratory insufficiency, microcephaly, polymicrogyria, and dysmorphic facies. Identifiers: MedGen C5562015, MONDO:0859204, OMIM 619602.
Developmental and epileptic encephalopathy 98. Identifiers: MedGen C5562017, MONDO:0030472, OMIM 619605.
Migraine, familial hemiplegic, 2. Identifiers: Orphanet 569, MedGen C1865322, MONDO:0011232, OMIM 602481.

Allele frequency attached by ClinVar (database versions not stated): gnomAD below 0.00001 and 0.00005; TOPMed 0.00001; gnomAD exomes 0.00013 and 0.00028; 1000 Genomes Project 30x 0.00016; 1000 Genomes Project 0.00020; ExAC 0.00028.
gnomAD v4.1: 196 of 1,614,176 alleles (0.012%); highest among the groups gnomAD compares: South Asian, 0.21%; 1 homozygote.

Submissions (9):

Labcorp Genetics (formerly Invitae), Labcorp
Classification: Benign for Familial hemiplegic migraine. Last evaluated: 2025-12-21. Review status: criteria provided, single submitter. Criteria: Invitae Variant Classification Sherloc (09022015). Collection method: clinical testing. Allele origin: germline.

CeGaT Center for Human Genetics Tuebingen
Classification: Likely benign. Last evaluated: 2025-08-01. Review status: criteria provided, single submitter. Criteria: CeGaT Center For Human Genetics Tuebingen Variant Classification Criteria Version 2. Collection method: clinical testing. Allele origin: germline. Affected: yes. Observed: 1 variant allele.
Comment: ATP1A2: BP4, BP7

Blueprint Genetics
Classification: Likely benign. Last evaluated: 2024-03-18. Review status: criteria provided, single submitter. Criteria: ACMG Guidelines, 2015. Collection method: clinical testing. Allele origin: germline.

Genome-Nilou Lab
Classification: Benign for Alternating hemiplegia of childhood 1. Last evaluated: 2021-12-05. Review status: criteria provided, single submitter. Criteria: ACMG Guidelines, 2015. Collection method: clinical testing. Allele origin: germline. Affected: no.

Genome-Nilou Lab
Classification: Benign for Developmental and epileptic encephalopathy 98. Last evaluated: 2021-12-05. Review status: criteria provided, single submitter. Criteria: ACMG Guidelines, 2015. Collection method: clinical testing. Allele origin: germline. Affected: no.

Genome-Nilou Lab
Classification: Benign for Fetal akinesia, respiratory insufficiency, microcephaly, polymicrogyria, and dysmorphic facies. Last evaluated: 2021-12-05. Review status: criteria provided, single submitter. Criteria: ACMG Guidelines, 2015. Collection method: clinical testing. Allele origin: germline. Affected: no.

Genome-Nilou Lab
Classification: Benign for Migraine, familial hemiplegic, 2. Last evaluated: 2021-12-05. Review status: criteria provided, single submitter. Criteria: ACMG Guidelines, 2015. Collection method: clinical testing. Allele origin: germline. Affected: no.

GeneDx
Classification: Likely benign. Last evaluated: 2018-08-06. Review status: criteria provided, single submitter. Criteria: GeneDx Variant Classification Process June 2021. Collection method: clinical testing. Allele origin: germline. Affected: yes.

Eurofins Ntd Llc (ga)
Classification: Likely benign. Last evaluated: 2018-06-28. Review status: criteria provided, single submitter. Criteria: EGL ClinVar v180209 classification definitions. Collection method: clinical testing. Allele origin: germline. Observed: 1 variant allele, 1 heterozygote.

NM_000702.4(ATP1A2):c.471T>C (p.Asp157=)

Gene: ATP1A2 (ATPase Na+/K+ transporting subunit alpha 2; plus strand). Cytogenetic location: 1q23.2.
Variant type: single nucleotide variant.
Coding change: c.471T>C on transcript NM_000702.4 (MANE Select); coding-DNA position 471, T replaced by C.
Protein change: p.Asp157=; no amino-acid change (aspartic acid 157 retained).
Molecular consequence: synonymous variant.
Genome position (GRCh38, 1-based): chr1:160,124,032, T>C. VCF-style: chr1-160124032-T-C. GRCh37 (hg19) VCF-style: chr1-160093822-T-C.
Identifiers: ClinVar variation 460306 (VCV000460306.27), dbSNP rs553035942, ClinGen allele CA1194192.